The following is an entry in ClinVar:

NM_198407.2(GHSR):c.1069C>T (p.Arg357Trp)

Gene: GHSR (growth hormone secretagogue receptor; minus strand). Cytogenetic location: 3q26.31.
Variant type: single nucleotide variant.
Coding change: c.1069C>T on transcript NM_198407.2 (MANE Select); coding-DNA position 1069, C replaced by T.
Protein change: p.Arg357Trp; replaces arginine 357 with tryptophan.
Molecular consequence: missense variant.
Genome position (GRCh38, 1-based): chr3:172,445,193, G>A on the plus strand (C>T on the coding strand, the complement: GHSR is on the minus strand). VCF-style: chr3-172445193-G-A. GRCh37 (hg19) VCF-style: chr3-172162983-G-A.
Other names: short protein forms R357W.
Identifiers: ClinVar variation 985552 (VCV000985552.4), dbSNP rs750603863, ClinGen allele CA2706303.

ClinVar aggregate classification (germline): Uncertain significance (1 of 4 stars; one submission).

Conditions:
Inborn genetic diseases. Identifiers: MedGen C0950123, MeSH D030342.

Allele frequency attached by ClinVar (database versions not stated): gnomAD exomes below 0.00001 and 0.00001; ExAC 0.00001; gnomAD 0.00001 and 0.00002; TOPMed 0.00002.

Submission:

Ambry Genetics
Classification: Uncertain significance for Inborn genetic diseases. Last evaluated: 2020-02-03. Review status: criteria provided, single submitter. Criteria: Ambry Variant Classification Scheme 2023. Collection method: clinical testing. Allele origin: germline.
Comment: The alteration results in an amino acid change:_x000D_ _x000D_ The c.1069C>T (p.R357W) alteration is located in coding exon 2 of the GHSR gene. This alteration results from a C to T substitution at nucleotide position 1069, causing the arginine (R) at amino acid position 357 to be replaced by a tryptophan (W). The alteration is rare in population databases: _x000D_ _x000D_ Based on data from the Genome Aggregation Database (gnomAD), the c.1069C>T alteration was observed in 0.00071% (2/282,670) of total alleles studied, with a frequency of 0.00155% (2/129,056) in the non-Finnish European subpopulation. No homozygotes were reported in gnomAD. The altered amino acid is not conserved throughout evolution:_x000D_ _x000D_ The p.R357 amino acid is not conserved in available vertebrate species. The alteration is predicted tolerated by in silico modeling:_x000D_ _x000D_ The p.R357W alteration is predicted to be tolerated by in silico analysis. Based on insufficient or conflicting evidence, the clinical significance of this alteration remains unclear.